The following is an entry in ClinVar:

NM_005141.5(FGB):c.139C>T (p.Arg47Ter)

Gene: FGB (fibrinogen beta chain; plus strand). Cytogenetic location: 4q31.3.
Variant type: single nucleotide variant.
Coding change: c.139C>T on transcript NM_005141.5 (MANE Select); coding-DNA position 139, C replaced by T.
Protein change: p.Arg47Ter; replaces arginine 47 with a stop codon.
Molecular consequence: nonsense.
Genome position (GRCh38, 1-based): chr4:154,565,832, C>T. VCF-style: chr4-154565832-C-T. GRCh37 (hg19) VCF-style: chr4-155486984-C-T.
Other names: R17*; p.Arg47*; c.139C>T, p.Arg47Ter (NM_001184741.1, NM_001382759.1, NM_001382760.1 and 5 more transcripts); short protein forms R47*.
Identifiers: ClinVar variation 16396 (VCV000016396.15), dbSNP rs121909625, ClinGen allele CA126452.

ClinVar aggregate classification (germline): Pathogenic/Likely pathogenic. Review status: criteria provided, multiple submitters, no conflicts (2 of 4 stars). 12 submissions from 12 submitters: Pathogenic (7); Likely pathogenic (1). 4 of the submissions do not count toward it. Last evaluated 2026-08-03.

Conditions:
Bleeding and platelet disorders.
FGB-related disorder. Also called: FGB-related condition.
Congenital afibrinogenemia. Identifiers: Orphanet 335, Orphanet 98880, MedGen C2584774, MONDO:0008737, OMIM 202400.
Afibrinogenemia. Identifiers: Orphanet 200418, MedGen C0001733, MeSH D000347, HP:0034287.
Hypofibrinogenemia. Identifiers: MedGen C0553681, HP:0011900.

Allele frequency attached by ClinVar (database versions not stated): gnomAD 0.00003; TOPMed 0.00006; gnomAD exomes 0.00009 and 0.00001; ExAC 0.00002; 1000 Genomes Project 30x 0.00016; 1000 Genomes Project 0.00020.

Submissions (12):

PreventionGenetics, part of Exact Sciences
Classification: Pathogenic for FGB-related condition. Last evaluated: 2026-08-03. Review status: criteria provided, single submitter. Criteria: ACMG Guidelines, 2015. Collection method: clinical testing. Allele origin: germline.
Comment: The FGB c.139C>T variant is predicted to result in premature protein termination (p.Arg47*). This variant, also known as p.Arg17*, has been reported in compound heterozygous or homozygous state in multiple individuals with afibrinogenemia and in heterozygous or compound heterozygous state in individuals with hypofibrinogenemia (Qian et al. 2024. PubMed ID: 39665495; Table S3, Downes et al. 2019. PubMed ID: 31064749; Asselta et al. 2014. PubMed ID: 25427968). This variant is reported in 0.0040% of alleles in individuals of African descent in gnomAD. Nonsense variants in FGB are expected to be pathogenic. This variant is interpreted as pathogenic.

North West Genomic Laboratory Hub, Manchester University NHS Foundation Trust
Classification: Pathogenic for Bleeding and platelet disorders. Last evaluated: 2026-07-01. Review status: criteria provided, single submitter. Criteria: ACGS Best Practice Guidelines for Variant Classification in Rare Disease 2024. Collection method: clinical testing. Allele origin: germline. Affected: yes.
Comment: PS4_Mod PP4_Mod PM3_Mod PVS1_VStr PM2_Mod

Women's Health and Genetics/Laboratory Corporation of America, LabCorp
Classification: Pathogenic for Congenital afibrinogenemia. Last evaluated: 2026-03-17. Review status: criteria provided, single submitter. Criteria: LabCorp Variant Classification Summary - May 2015. Collection method: clinical testing. Allele origin: germline.
Comment: Variant summary: FGB c.139C>T (p.Arg47X) results in a premature termination codon, predicted to cause absence of the protein due to nonsense mediated decay, which is a commonly known mechanism for disease. The variant allele was found at a frequency of 1.2e-05 in 248902 control chromosomes (gnomAD). c.139C>T has been observed in individuals affected with Afibrinogenemia, Congenital with an autosomal recessive inheritance (e.g. Asselta_2004), as well as heterozygous individuals characterized as having coagulation disorders (e.g. Downes_2019) or hypofibrinogenemia (e.g. Qian_2024). The following publications have been ascertained in the context of this evaluation (PMID: 15070683, 31064749, 39665495). ClinVar contains an entry for this variant (Variation ID: 16396). Based on the evidence outlined above, the variant was classified as pathogenic for Congenital Dysfibrinogenemia and Afibrinogenemia.

Labcorp Genetics (formerly Invitae), Labcorp
Classification: Pathogenic. Last evaluated: 2025-11-13. Review status: criteria provided, single submitter. Criteria: Invitae Variant Classification Sherloc (09022015). Collection method: clinical testing. Allele origin: germline.
Comment: This sequence change creates a premature translational stop signal (p.Arg47*) in the FGB gene. It is expected to result in an absent or disrupted protein product. Loss-of-function variants in FGB are known to be pathogenic (PMID: 23852822). This variant is present in population databases (rs121909625, gnomAD 0.004%). This premature translational stop signal has been observed in individual(s) with clinical features of hereditary fibrinogen abnormalities (PMID: 12161363, 31064749). ClinVar contains an entry for this variant (Variation ID: 16396). For these reasons, this variant has been classified as Pathogenic.

GeneDx
Classification: Pathogenic. Last evaluated: 2025-07-16. Review status: criteria provided, single submitter. Criteria: GeneDx Variant Classification Process June 2021. Collection method: clinical testing. Allele origin: germline. Affected: yes.
Comment: Published functional studies demonstrate a damaging effect with almost undetectable mRNA and FGB protein expression levels in transfected CHO cells that significantly affected the synthesis and secretion of fibrinogen relative to WT CHO cells (PMID: 39665495); Nonsense variant predicted to result in protein truncation or nonsense mediated decay in a gene for which loss of function is a known mechanism of disease; This variant is associated with the following publications: (PMID: 25525159, 24560896, 30345592, 40505867, 34313030, 12161363, 30332696, 28211264, 37647632, 31064749, 39665495, 38286442, 12893758, 32610551, 25427968)

Mayo Clinic Laboratories, Mayo Clinic
Classification: Pathogenic. Last evaluated: 2023-08-08. Review status: criteria provided, single submitter. Criteria: ACMG Guidelines, 2015. Collection method: clinical testing. Allele origin: germline. Observed: 1 variant allele.
Comment: PP5, PM3_strong, PS4_moderate, PVS1

Blueprint Genetics
Classification: Pathogenic for FGB-related disorders. Last evaluated: 2022-02-07. Review status: criteria provided, single submitter. Criteria: ACMG Guidelines, 2015. Collection method: clinical testing. Allele origin: germline. Affected: yes. Observed: 2 variant alleles.

NIHR Bioresource Rare Diseases, University of Cambridge
Classification: Likely pathogenic for Hypofibrinogenemia. Last evaluated: 2019-02-01. Review status: criteria provided, single submitter. Criteria: ACMG Guidelines, 2015. Collection method: research. Allele origin: unknown. Affected: yes. Observed: 2 heterozygotes. Study: ThromboGenomics.

OMIM
Classification: Pathogenic for HYPOFIBRINOGENEMIA, CONGENITAL, SEVERE. Last evaluated: 2004-04-15. Review status: no assertion criteria provided. Collection method: literature only. Allele origin: germline. Not counted in ClinVar's aggregate classification.

Clinical Genetics DNA and cytogenetics Diagnostics Lab, Erasmus MC, Erasmus Medical Center
Classification: Pathogenic. Review status: no assertion criteria provided. Collection method: clinical testing. Allele origin: germline. Affected: yes. Study: VKGL Data-share Consensus. Not counted in ClinVar's aggregate classification.

ISTH-SSC Genomics in Thrombosis and Hemostasis, KU Leuven, Center for Molecular and Vascular Biology
Classification: Pathogenic for Afibrinogenemia. Review status: no assertion criteria provided. Collection method: research. Allele origin: unknown. Affected: yes. Not counted in ClinVar's aggregate classification.
Comment: Submitted to GoldVariant by Dr Karyn Mégy from NIHR Bioresource - Cambridge University, UK

Joint Genome Diagnostic Labs from Nijmegen and Maastricht, Radboudumc and MUMC+
Classification: Pathogenic. Review status: no assertion criteria provided. Collection method: clinical testing. Allele origin: germline. Affected: yes. Study: VKGL Data-share Consensus. Not counted in ClinVar's aggregate classification.

Literature cited by the submitters: PubMed 23852822 (cited by Labcorp Genetics (formerly Invitae), Labcorp); PubMed 12161363 (cited by 3 submitters); PubMed 31064749 (cited by 3 submitters); PubMed 12893758 (cited by Mayo Clinic Laboratories, Mayo Clinic); PubMed 15070683 (cited by Mayo Clinic Laboratories, Mayo Clinic and OMIM); PubMed 16403286 (cited by Mayo Clinic Laboratories, Mayo Clinic); PubMed 19335753 (cited by Mayo Clinic Laboratories, Mayo Clinic); PubMed 25427968 (cited by Mayo Clinic Laboratories, Mayo Clinic); PubMed 30345592 (cited by Mayo Clinic Laboratories, Mayo Clinic).